The following is an entry in ClinVar:

ClinVar aggregate classification (germline): Benign/Likely benign. Review status: criteria provided, multiple submitters, no conflicts (2 of 4 stars). 3 submissions from 3 submitters: Benign (1); Likely benign (2). Last evaluated 2018-08-14.

Conditions:
Pseudohypoaldosteronism type 2C (PHA2C). Also called: Pseudohypoaldosteronism Type IIC. Identifiers: Orphanet 757, Orphanet 88940, MedGen C1840391, MONDO:0013778, OMIM 614492.

Allele frequency attached by ClinVar (database versions not stated): ESP Exome Variant Server 0.00679; gnomAD 0.00762; 1000 Genomes Project 0.00359; 1000 Genomes Project 30x 0.00375; TOPMed 0.00617; ExAC 0.00833.
gnomAD v4.1: 14,598 of 1,611,392 alleles (0.91%); highest among the groups gnomAD compares: Non-Finnish European, 1.1%; 81 homozygotes.

Submissions (3):

GeneDx
Classification: Likely benign. Last evaluated: 2018-08-14. Review status: criteria provided, single submitter. Criteria: GeneDx Variant Classification Process June 2021. Collection method: clinical testing. Allele origin: germline. Affected: yes.

Illumina Laboratory Services, Illumina
Classification: Benign for Pseudohypoaldosteronism type 2C. Last evaluated: 2018-01-12. Review status: criteria provided, single submitter. Criteria: ICSL Variant Classification Criteria 13 December 2019. Collection method: clinical testing. Allele origin: germline.
Comment: This variant was observed in the ICSL laboratory as part of a predisposition screen in an ostensibly healthy population. It had not been previously curated by ICSL or reported in the Human Gene Mutation Database (HGMD: prior to June 1st, 2018), and was therefore a candidate for classification through an automated scoring system. Utilizing variant allele frequency, disease prevalence and penetrance estimates, and inheritance mode, an automated score was calculated to assess if this variant is too frequent to cause the disease. Based on the score and internal cut-off values, a variant classified as benign is not then subjected to further curation. The score for this variant resulted in a classification of benign for this disease.

Breakthrough Genomics
Classification: Likely benign. Review status: criteria provided, single submitter. Criteria: ACMG Guidelines, 2015. Collection method: not provided. Allele origin: germline. Inheritance: Autosomal recessive inheritance. Affected: yes.

NM_018979.4(WNK1):c.-25C>G

Gene: WNK1 (WNK lysine deficient protein kinase 1; plus strand). Cytogenetic location: 12p13.33.
Variant type: single nucleotide variant.
Coding change: c.-25C>G on transcript NM_018979.4 (MANE Select); 25 bases upstream of the start codon, C replaced by G.
Molecular consequence: 5 prime UTR variant.
Genome position (GRCh38, 1-based): chr12:753,541, C>G. VCF-style: chr12-753541-C-G. GRCh37 (hg19) VCF-style: chr12-862707-C-G.
Other names: c.-25C>G (NM_001184985.2, NM_014823.3, NM_213655.5).
Identifiers: ClinVar variation 310535 (VCV000310535.8), dbSNP rs72647367, ClinGen allele CA6381687.